The following is an entry in ClinVar:

NM_000059.4(BRCA2):c.1401G>C (p.Lys467Asn)

Gene: BRCA2 (BRCA2 DNA repair associated; plus strand). Cytogenetic location: 13q13.1.
Variant type: single nucleotide variant.
Coding change: c.1401G>C on transcript NM_000059.4 (MANE Select); coding-DNA position 1401, G replaced by C.
Protein change: p.Lys467Asn; replaces lysine 467 with asparagine.
Molecular consequence: missense variant.
Genome position (GRCh38, 1-based): chr13:32,332,879, G>C. VCF-style: chr13-32332879-G-C. GRCh37 (hg19) VCF-style: chr13-32907016-G-C.
Other names: short protein forms K467N.
Identifiers: ClinVar variation 125944 (VCV000125944.14), dbSNP rs276174808, ClinGen allele CA011917.
Genomic context (GRCh38, chr13:32,332,879, plus strand): 5'-ACGTATTTCTAGCCTACCAAAATCAGAGAAGCCATTAAATGAGGAAACAGTGGTAAATAA[G>C]AGAGATGAAGAGCAGCATCTTGAATCTCATACAGACTGCATTCTTGCAGTAAAGCAGGCA-3'
Protein context (NP_000050.3, residues 457-477): KPLNEETVVN[Lys467Asn]RDEEQHLESH

ClinVar aggregate classification (germline): Conflicting classifications of pathogenicity. Review status: criteria provided, conflicting classifications (1 of 4 stars). 6 submissions from 6 submitters: Uncertain significance (4); Likely benign (1). 1 of the submissions does not count toward it. Last evaluated 2025-08-11.

Conditions:
Hereditary cancer-predisposing syndrome. Also called: Tumor predisposition; Hereditary Cancer Syndrome; Neoplastic Syndromes, Hereditary; Hereditary neoplastic syndrome. Identifiers: Orphanet 140162, MedGen C0027672, MeSH D009386, MONDO:0015356.
Hereditary breast ovarian cancer syndrome. Also called: Hereditary breast and ovarian cancer; Hereditary breast and/or ovarian cancer syndrome; BRCA1- and BRCA2-Associated Hereditary Breast and Ovarian Cancer; Hereditary breast and ovarian cancer syndrome; Hereditary breast and ovarian cancer syndrome (HBOC); Breast and ovarian cancer. Identifiers: Orphanet 145, MedGen C0677776, MeSH D061325, MONDO:0003582. Disease mechanism: loss of function.
Breast-ovarian cancer, familial, susceptibility to, 2 (BROVCA2). Also called: BRCA2 Hereditary Breast and Ovarian Cancer. Identifiers: Orphanet 145, MedGen C2675520, MONDO:0012933, OMIM 612555. Disease mechanism: loss of function.

Allele frequency attached by ClinVar (database versions not stated): TOPMed below 0.00001.

Submissions (6):

Labcorp Genetics (formerly Invitae), Labcorp
Classification: Uncertain significance for Hereditary breast ovarian cancer syndrome. Last evaluated: 2025-08-11. Review status: criteria provided, single submitter. Criteria: Invitae Variant Classification Sherloc (09022015). Collection method: clinical testing. Allele origin: germline.
Comment: This sequence change replaces lysine, which is basic and polar, with asparagine, which is neutral and polar, at codon 467 of the BRCA2 protein (p.Lys467Asn). This variant is not present in population databases (gnomAD no frequency). This variant has not been reported in the literature in individuals affected with BRCA2-related conditions. ClinVar contains an entry for this variant (Variation ID: 125944). Invitae Evidence Modeling of protein sequence and biophysical properties (such as structural, functional, and spatial information, amino acid conservation, physicochemical variation, residue mobility, and thermodynamic stability) indicates that this missense variant is not expected to disrupt BRCA2 protein function with a negative predictive value of 95%. In summary, the available evidence is currently insufficient to determine the role of this variant in disease. Therefore, it has been classified as a Variant of Uncertain Significance.

University of Washington Department of Laboratory Medicine, University of Washington
Classification: Likely benign for Hereditary cancer-predisposing syndrome. Last evaluated: 2023-03-23. Review status: criteria provided, single submitter. Criteria: Dines et al. (Genet Med. 2020). Collection method: curation. Allele origin: germline.
Comment: Missense variant in a coldspot region where missense variants are very unlikely to be pathogenic (PMID:31911673).

BRCA2 exon 10 coldspot. Reclassification based on statistical prior probability.

Ambry Genetics
Classification: Uncertain significance for Hereditary cancer-predisposing syndrome. Last evaluated: 2022-09-10. Review status: criteria provided, single submitter. Criteria: Ambry Variant Classification Scheme 2023. Collection method: clinical testing. Allele origin: germline.
Comment: The p.K467N variant (also known as c.1401G>C), located in coding exon 9 of the BRCA2 gene, results from a G to C substitution at nucleotide position 1401. The lysine at codon 467 is replaced by asparagine, an amino acid with similar properties. This amino acid position is not well conserved in available vertebrate species. In addition, this alteration is predicted to be tolerated by in silico analysis. Since supporting evidence is limited at this time, the clinical significance of this alteration remains unclear.

Color Diagnostics, LLC DBA Color Health
Classification: Uncertain significance for Hereditary cancer-predisposing syndrome. Last evaluated: 2019-01-24. Review status: criteria provided, single submitter. Criteria: ACMG Guidelines, 2015. Collection method: clinical testing. Allele origin: germline.

Women's Health and Genetics/Laboratory Corporation of America, LabCorp
Classification: Uncertain significance. Last evaluated: 2016-11-21. Review status: criteria provided, single submitter. Criteria: LabCorp Variant Classification Summary - May 2015. Collection method: clinical testing. Allele origin: germline.
Comment: Variant summary: The BRCA2 c.1401G>C (p.Lys467Asn) variant involves the alteration of a non-conserved nucleotide. 3/5 in silico tools predict a damaging outcome for this variant. The variant of interest has not, to our knowledge, been reported in affected individuals via publications nor evaluated for functional impact by in vivo/vitro studies. One clinical diagnostic laboratory/reputable database classified this variant as uncertain significance. Because of the absence of clinical information and the lack of functional studies, the variant is classified as a variant of uncertain significance (VUS) until additional information becomes available.

Breast Cancer Information Core (BIC) (BRCA2)
Classification: Uncertain significance for Breast-ovarian cancer, familial 2. Last evaluated: 2010-12-17. Review status: no assertion criteria provided. Collection method: clinical testing. Allele origin: germline. Affected: yes. Observed: 1 variant allele. Not counted in ClinVar's aggregate classification.